The following is an entry in ClinVar:

NM_000135.4(FANCA):c.4301C>A (p.Ala1434Asp)

Genes: FANCA (FA complementation group A; minus strand), ZNF276 (zinc finger protein 276; plus strand). Cytogenetic location: 16q24.3.
Variant type: single nucleotide variant.
Coding change: c.4301C>A on transcript NM_000135.4 (MANE Select); coding-DNA position 4301, C replaced by A.
Protein change: p.Ala1434Asp; replaces alanine 1434 with aspartic acid.
Molecular consequence: missense variant. On other transcripts: 3 prime UTR variant (3), non-coding transcript variant (4).
Genome position (GRCh38, 1-based): chr16:89,738,668, G>T on the plus strand (C>A on the coding strand, the complement: FANCA is on the minus strand). VCF-style: chr16-89738668-G-T. GRCh37 (hg19) VCF-style: chr16-89805076-G-T.
Other names: c.*30C>A (NM_001286167.3); c.*422G>T (NM_001113525.2, NM_152287.4); short protein forms A1434D.
Identifiers: ClinVar variation 4022258 (VCV004022258.1).

ClinVar aggregate classification (germline): Uncertain significance (1 of 4 stars; one submission).

Conditions:
Inborn genetic diseases. Identifiers: MedGen C0950123, MeSH D030342.

Submission:

Ambry Genetics
Classification: Uncertain significance for Inborn genetic diseases. Last evaluated: 2025-05-10. Review status: criteria provided, single submitter. Criteria: Ambry Variant Classification Scheme 2023. Collection method: clinical testing. Allele origin: germline.
Comment: The p.A1434D variant (also known as c.4301C>A), located in coding exon 43 of the FANCA gene, results from a C to A substitution at nucleotide position 4301. The alanine at codon 1434 is replaced by aspartic acid, an amino acid with dissimilar properties. This amino acid position is conserved. In addition, the in silico prediction for this alteration is inconclusive. Based on the available evidence, the clinical significance of this variant remains unclear.